The following is an entry in ClinVar:

NM_054012.4(ASS1):c.605C>A (p.Ala202Glu)

Gene: ASS1 (argininosuccinate synthase 1; plus strand). Cytogenetic location: 9q34.11.
Variant type: single nucleotide variant.
Coding change: c.605C>A on transcript NM_054012.4 (MANE Select); coding-DNA position 605, C replaced by A.
Protein change: p.Ala202Glu; replaces alanine 202 with glutamic acid.
Molecular consequence: missense variant.
Genome position (GRCh38, 1-based): chr9:130,476,878, C>A. VCF-style: chr9-130476878-C-A. GRCh37 (hg19) VCF-style: chr9-133352265-C-A.
Other names: c.605C>A, p.Ala202Glu (NM_000050.4); short protein forms A202E.
Identifiers: ClinVar variation 92371 (VCV000092371.39), dbSNP rs376371866, ClinGen allele CA285301.
Genomic context (GRCh38, chr9:130,476,878, plus strand): 5'-GGGTGTCCAGGGACTGGTATGTCATCTGCCCACCACTTTCTGTCTTTTTTCAGAACCAAG[C>A]GCCTCCAGGTCTCTACACGAAGACCCAGGACCCAGCCAAAGCCCCCAACACCCCTGACAT-3'
Protein context (NP_446464.1, residues 192-212): AGILENPKNQ[Ala202Glu]PPGLYTKTQD

ClinVar aggregate classification (germline): Conflicting classifications of pathogenicity. Review status: criteria provided, conflicting classifications (1 of 4 stars). 5 submissions from 5 submitters: Pathogenic (2); Likely pathogenic (1); Uncertain significance (1). 1 of the submissions does not count toward it. Last evaluated 2026-06-01.

Conditions:
Citrullinemia. Identifiers: Orphanet 187, MedGen C0175683, MONDO:0015991.
Citrullinemia type I (CTNL1). Also called: ASS DEFICIENCY; argininosuccinate synthetase deficiency. Identifiers: Orphanet 247525, MedGen C4721769, MONDO:0008988, OMIM 215700.

Allele frequency attached by ClinVar (database versions not stated): TOPMed 0.00002.
gnomAD v4.1: 22 of 1,613,856 alleles (0.0014%); highest among the groups gnomAD compares: Non-Finnish European, 0.0018%; no homozygotes.

Submissions (5):

CeGaT Center for Human Genetics Tuebingen
Classification: Likely pathogenic. Last evaluated: 2026-06-01. Review status: criteria provided, single submitter. Criteria: CeGaT Center For Human Genetics Tuebingen Variant Classification Criteria Version 2. Collection method: clinical testing. Allele origin: germline. Affected: yes. Observed: 2 variant alleles.
Comment: ASS1: PM3:Strong, PM2

Labcorp Genetics (formerly Invitae), Labcorp
Classification: Pathogenic for Citrullinemia. Last evaluated: 2025-09-19. Review status: criteria provided, single submitter. Criteria: Invitae Variant Classification Sherloc (09022015). Collection method: clinical testing. Allele origin: germline.
Comment: This sequence change replaces alanine, which is neutral and non-polar, with glutamic acid, which is acidic and polar, at codon 202 of the ASS1 protein (p.Ala202Glu). This variant is not present in population databases (gnomAD no frequency). This missense change has been observed in individual(s) with citrullinemia (PMID: 14680976, 28111830; internal data). In at least one individual the data is consistent with being in trans (on the opposite chromosome) from a pathogenic variant. ClinVar contains an entry for this variant (Variation ID: 92371). Invitae Evidence Modeling of protein sequence and biophysical properties (such as structural, functional, and spatial information, amino acid conservation, physicochemical variation, residue mobility, and thermodynamic stability) indicates that this missense variant is expected to disrupt ASS1 protein function with a positive predictive value of 80%. For these reasons, this variant has been classified as Pathogenic.

Baylor Genetics
Classification: Pathogenic for Citrullinemia type I. Last evaluated: 2024-03-10. Review status: criteria provided, single submitter. Criteria: ACMG Guidelines, 2015. Collection method: clinical testing. Allele origin: unknown.

Eurofins Ntd Llc (ga)
Classification: Uncertain significance. Last evaluated: 2013-11-04. Review status: criteria provided, single submitter. Criteria: EGL Classification Definitions 2015. Collection method: clinical testing. Allele origin: germline. Observed: 2 variant alleles, 2 heterozygotes.

Natera, Inc.
Classification: Uncertain significance for Citrullinemia. Last evaluated: 2020-09-16. Review status: no assertion criteria provided. Collection method: clinical testing. Allele origin: germline. Not counted in ClinVar's aggregate classification.

Literature cited by the submitters: PubMed 14680976 (cited by Labcorp Genetics (formerly Invitae), Labcorp and Eurofins Ntd Llc (ga)); PubMed 28111830 (cited by Labcorp Genetics (formerly Invitae), Labcorp).